The following is an entry in ClinVar:

NM_001164508.2(NEB):c.16856T>C (p.Val5619Ala)

Gene: NEB (nebulin; minus strand). Cytogenetic location: 2q23.3.
Variant type: single nucleotide variant.
Coding change: c.16856T>C on transcript NM_001164508.2 (MANE Select); coding-DNA position 16856, T replaced by C.
Protein change: p.Val5619Ala; replaces valine 5619 with alanine.
Molecular consequence: missense variant.
Genome position (GRCh38, 1-based): chr2:151,576,203, A>G on the plus strand (T>C on the coding strand, the complement: NEB is on the minus strand). VCF-style: chr2-151576203-A-G. GRCh37 (hg19) VCF-style: chr2-152432717-A-G.
Other names: c.16856T>C, p.Val5619Ala (NM_001164507.2, NM_001271208.2); c.11753T>C, p.Val3918Ala (NM_004543.5); c.11753T>C (NM_004543.4); short protein forms V3918A, V5619A.
Identifiers: ClinVar variation 1878974 (VCV001878974.8), dbSNP rs746575438, ClinGen allele CA1908362.

ClinVar aggregate classification (germline): Conflicting classifications of pathogenicity. Review status: criteria provided, conflicting classifications (1 of 4 stars). 3 submissions from 3 submitters: Uncertain significance (2); Benign (1). Last evaluated 2026-01-18.

Conditions:
Inborn genetic diseases. Identifiers: MedGen C0950123, MeSH D030342.
Nemaline myopathy 2 (NEM2). Also called: Nemaline myopathy 2, autosomal recessive. Identifiers: MedGen C1850569, MONDO:0009725, OMIM 256030.

Allele frequency attached by ClinVar (database versions not stated): ExAC 0.00002; gnomAD exomes 0.00002; gnomAD 0.00013; TOPMed 0.00018.
gnomAD v4.1: 44 of 1,611,068 alleles (0.0027%); highest among the groups gnomAD compares: African/African-American, 0.056%; 1 homozygote.

Submissions (3):

Labcorp Genetics (formerly Invitae), Labcorp
Classification: Benign for Nemaline myopathy 2. Last evaluated: 2026-01-18. Review status: criteria provided, single submitter. Criteria: Invitae Variant Classification Sherloc (09022015). Collection method: clinical testing. Allele origin: germline.

Ambry Genetics
Classification: Uncertain significance for Inborn genetic diseases. Last evaluated: 2025-09-01. Review status: criteria provided, single submitter. Criteria: Ambry Variant Classification Scheme 2023. Collection method: clinical testing. Allele origin: germline.

GeneDx
Classification: Uncertain significance. Last evaluated: 2024-01-23. Review status: criteria provided, single submitter. Criteria: GeneDx Variant Classification Process June 2021. Collection method: clinical testing. Allele origin: germline. Affected: yes.
Comment: In silico analysis supports that this missense variant does not alter protein structure/function; Has not been previously published as pathogenic or benign to our knowledge